The following is an entry in ClinVar:

ClinVar aggregate classification (germline): Pathogenic (1 of 4 stars; one submission).

Allele frequency attached by ClinVar (database versions not stated): gnomAD exomes below 0.00001; TOPMed 0.00001.
gnomAD v4.1: 2 of 1,611,994 alleles (0.00012%); highest among the groups gnomAD compares: Non-Finnish European, 0.00017%; no homozygotes.

Submission:

Labcorp Genetics (formerly Invitae), Labcorp
Classification: Pathogenic. Last evaluated: 2023-09-07. Review status: criteria provided, single submitter. Criteria: Invitae Variant Classification Sherloc (09022015). Collection method: clinical testing. Allele origin: germline.
Comment: This variant is present in population databases (no rsID available, gnomAD 0.0009%). For these reasons, this variant has been classified as Pathogenic. ClinVar contains an entry for this variant (Variation ID: 2106590). This variant has not been reported in the literature in individuals affected with RUSC2-related conditions. This sequence change creates a premature translational stop signal (p.Arg99*) in the RUSC2 gene. It is expected to result in an absent or disrupted protein product. Loss-of-function variants in RUSC2 are known to be pathogenic (PMID: 27612186).

Literature cited by the submitters: PubMed 27612186.

NM_014806.5(RUSC2):c.295C>T (p.Arg99Ter)

Gene: RUSC2 (RUN and SH3 domain containing 2; plus strand). Cytogenetic location: 9p13.3.
Variant type: single nucleotide variant.
Coding change: c.295C>T on transcript NM_014806.5 (MANE Select); coding-DNA position 295, C replaced by T.
Protein change: p.Arg99Ter; replaces arginine 99 with a stop codon.
Molecular consequence: nonsense. On other transcripts: non-coding transcript variant (1), intron variant (1).
Genome position (GRCh38, 1-based): chr9:35,546,816, C>T. VCF-style: chr9-35546816-C-T. GRCh37 (hg19) VCF-style: chr9-35546813-C-T.
Other names: c.295C>T, p.Arg99Ter (NM_001135999.2); c.-620-8244C>T (NM_001330740.2); short protein forms R99*.
Identifiers: ClinVar variation 2106590 (VCV002106590.4), dbSNP rs1265683288, ClinGen allele CA373326531.